The following is an entry in ClinVar:

ClinVar aggregate classification (germline): Likely pathogenic (1 of 4 stars; one submission).

Conditions:
PIEZO2-related disorder. Also called: PIEZO2-related disorders; PIEZO2-related condition.

Submission:

Women's Health and Genetics/Laboratory Corporation of America, LabCorp
Classification: Likely pathogenic for PIEZO2-Related Disorders. Last evaluated: 2023-04-18. Review status: criteria provided, single submitter. Criteria: LabCorp Variant Classification Summary - May 2015. Collection method: clinical testing. Allele origin: germline.
Comment: Variant summary: FAM38B c.6245C>A (p.Ser2082X) results in a premature termination codon, predicted to cause a truncation of the encoded protein or absence of the protein due to nonsense mediated decay, which are commonly known mechanisms for disease. The variant was absent in 141574 control chromosomes (gnomAD). To our knowledge, no occurrence of c.6245C>A in individuals affected with FAM38B-Related Disorders and no experimental evidence demonstrating its impact on protein function have been reported. No clinical diagnostic laboratories have submitted clinical-significance assessments for this variant to ClinVar after 2014. Based on the evidence outlined above, the variant was classified as likely pathogenic.

NM_001378183.1(PIEZO2):c.6584C>A (p.Ser2195Ter)

Gene: PIEZO2 (piezo type mechanosensitive ion channel component 2; minus strand). Cytogenetic location: 18p11.22.
Variant type: single nucleotide variant.
Coding change: c.6584C>A on transcript NM_001378183.1 (MANE Select); coding-DNA position 6584, C replaced by A.
Protein change: p.Ser2195Ter; replaces serine 2195 with a stop codon.
Molecular consequence: nonsense.
Genome position (GRCh38, 1-based): chr18:10,699,035, G>T on the plus strand (C>A on the coding strand, the complement: PIEZO2 is on the minus strand). VCF-style: chr18-10699035-G-T. GRCh37 (hg19) VCF-style: chr18-10699033-G-T.
Other names: c.6320C>A, p.Ser2107Ter (NM_001410871.1); c.6245C>A, p.Ser2082Ter (NM_022068.4); c.6245C>A (NM_022068.3); short protein forms S2082*, S2107*, S2195*.
Identifiers: ClinVar variation 2503820 (VCV002503820.1), dbSNP rs2510280879, ClinGen allele CA401908850.
Genomic context (GRCh38, chr18:10,699,035, plus strand): 5'-CTGCTGCCGGAGCGCTTCCTCCGGACAGCTGTCTGCTGCTCCGGGAAGGTCACATGCACT[G>T]ACTCCACAGACGCGGCCAGGTTGATGGACTTGAGAGAATCGGAGGAGTCCCTCCTGCCAT-3'